The following is an entry in ClinVar:

NM_002691.4(POLD1):c.-31G>A

Gene: POLD1 (DNA polymerase delta 1, catalytic subunit; plus strand). Cytogenetic location: 19q13.33.
Variant type: single nucleotide variant.
Coding change: c.-31G>A on transcript NM_002691.4 (MANE Select); 31 bases upstream of the start codon, G replaced by A.
Molecular consequence: 5 prime UTR variant. On other transcripts: non-coding transcript variant (1).
Genome position (GRCh38, 1-based): chr19:50,384,361, G>A. VCF-style: chr19-50384361-G-A. GRCh37 (hg19) VCF-style: chr19-50887618-G-A.
Other names: c.-34G>A (NM_001256849.1).
Identifiers: ClinVar variation 384531 (VCV000384531.1), dbSNP rs1057521984, ClinGen allele CA16608236.
Genomic context (GRCh38, chr19:50,384,361, plus strand): 5'-GTCTCTGAGCGCCGCGGCTCTGGGCTTGCGCGCGCGGGAGTCAGGGGTCACGGCGGCGTA[G>A]GCTGTGGCGGGAAACGCTGTTTGAAGCGGGTGAGTAGAGGGGAAAAAGGGAGTTCGGGGC-3'

ClinVar aggregate classification (germline): Likely benign (1 of 4 stars; one submission).

Allele frequency attached by ClinVar (database versions not stated): TOPMed below 0.00001.

Submission:

GeneDx
Classification: Likely benign. Last evaluated: 2016-03-07. Review status: criteria provided, single submitter. Criteria: GeneDx Variant Classification (06012015). Collection method: clinical testing. Allele origin: germline. Affected: yes.
Comment: This variant is considered likely benign or benign based on one or more of the following criteria: it is a conservative change, it occurs at a poorly conserved position in the protein, it is predicted to be benign by multiple in silico algorithms, and/or has population frequency not consistent with disease.